The following is an entry in ClinVar:

ClinVar aggregate classification (germline): Benign/Likely benign. Review status: criteria provided, multiple submitters, no conflicts (2 of 4 stars). 6 submissions from 6 submitters: Benign (2); Likely benign (4). Last evaluated 2025-09-23.

Conditions:
Cardiovascular phenotype. Identifiers: MedGen CN230736.
Myofibrillar myopathy 4. Also called: Zaspopathy (type). Identifiers: Orphanet 98912, MedGen C4721886, MONDO:0012277, OMIM 609452.

Allele frequency attached by ClinVar (database versions not stated): TOPMed 0.00006; ESP Exome Variant Server 0.00008; ExAC 0.00009; gnomAD 0.00010.
gnomAD v4.1: 149 of 1,614,060 alleles (0.0092%); highest among the groups gnomAD compares: Non-Finnish European, 0.012%; no homozygotes.

Submissions (6):

Labcorp Genetics (formerly Invitae), Labcorp
Classification: Likely benign for Myofibrillar myopathy 4. Last evaluated: 2025-09-23. Review status: criteria provided, single submitter. Criteria: Invitae Variant Classification Sherloc (09022015). Collection method: clinical testing. Allele origin: germline.

Mayo Clinic Laboratories, Mayo Clinic
Classification: Likely benign. Last evaluated: 2025-09-19. Review status: criteria provided, single submitter. Criteria: ACMG Guidelines, 2015. Collection method: clinical testing. Allele origin: germline. Observed: 1 variant allele.
Comment: BS2, BP4, BP7

Blueprint Genetics
Classification: Likely benign. Last evaluated: 2024-08-23. Review status: criteria provided, single submitter. Criteria: ACMG Guidelines, 2015. Collection method: clinical testing. Allele origin: germline.

Women's Health and Genetics/Laboratory Corporation of America, LabCorp
Classification: Benign. Last evaluated: 2022-06-16. Review status: criteria provided, single submitter. Criteria: LabCorp Variant Classification Summary - May 2015. Collection method: clinical testing. Allele origin: germline.

Ambry Genetics
Classification: Likely benign for Cardiovascular phenotype. Last evaluated: 2021-10-12. Review status: criteria provided, single submitter. Criteria: Ambry Variant Classification Scheme 2023. Collection method: clinical testing. Allele origin: germline.

GeneDx
Classification: Benign. Last evaluated: 2017-07-06. Review status: criteria provided, single submitter. Criteria: GeneDx Variant Classification (06012015). Collection method: clinical testing. Allele origin: germline. Affected: yes.
Comment: This variant is considered likely benign or benign based on one or more of the following criteria: it is a conservative change, it occurs at a poorly conserved position in the protein, it is predicted to be benign by multiple in silico algorithms, and/or has population frequency not consistent with disease.

NM_007078.3(LDB3):c.891G>A (p.Arg297=)

Gene: LDB3 (LIM domain binding 3; plus strand). Cytogenetic location: 10q23.2.
Variant type: single nucleotide variant.
Coding change: c.891G>A on transcript NM_007078.3 (MANE Select); coding-DNA position 891, G replaced by A.
Protein change: p.Arg297=; no amino-acid change (arginine 297 retained).
Molecular consequence: synonymous variant.
Genome position (GRCh38, 1-based): chr10:86,692,566, G>A. VCF-style: chr10-86692566-G-A. GRCh37 (hg19) VCF-style: chr10-88452323-G-A.
Other names: p.Arg250=; c.750G>A, p.Arg250= (NM_001080114.2, NM_001368066.1, NM_001368067.1 and 2 more transcripts); c.891G>A, p.Arg297= (NM_001080115.2, NM_001368063.1, NM_001368064.1 and 1 more transcripts); c.1095G>A, p.Arg365= (NM_001171610.2, NM_001171611.2).
Identifiers: ClinVar variation 516314 (VCV000516314.15), dbSNP rs374336814, ClinGen allele CA5584935.
Genomic context (GRCh38, chr10:86,692,566, plus strand): 5'-TCCCCTGACCAGCTCCTTTCTACCAACAGTGCAAGACCCTGATGAAGAAGCTCTGCGAAG[G>A]TCAAGGTAAGTGCCTGGACTCAGGCTCTGTGGCCTTGCCCTCTAGCCCCGTCCCTCCCCG-3'
Protein context (NP_009009.1, residues 287-307): MQDPDEEALR[Arg297=]SSTPIEHAPV